The following is an entry in ClinVar:

ClinVar aggregate classification (germline): Conflicting classifications of pathogenicity. Review status: criteria provided, conflicting classifications (1 of 4 stars). 3 submissions from 3 submitters: Uncertain significance (2); Benign (1). Last evaluated 2026-07-29.

Conditions:
Inborn genetic diseases. Identifiers: MedGen C0950123, MeSH D030342.
Amyotrophic lateral sclerosis type 4 (ALS4). Also called: AMYOTROPHIC LATERAL SCLEROSIS 4, JUVENILE; NEURONOPATHY, DISTAL HEREDITARY MOTOR, WITH PYRAMIDAL FEATURES. Identifiers: Orphanet 357043, MedGen C1865409, MONDO:0011223, OMIM 602433.
Spinocerebellar ataxia, autosomal recessive, with axonal neuropathy 2 (SCAN2). Also called: Ataxia-ocular apraxia-2; Ataxia with Oculomotor Apraxia; Ataxia with Oculomotor Apraxia Type 2; ATAXIA-OCULOMOTOR APRAXIA 2. Identifiers: Orphanet 64753, MedGen C1853761, MONDO:0018996, OMIM 606002.
SETX-related disorder. Also called: SETX-related disorders; SETX-related condition. Identifiers: MedGen CN239403.

Allele frequency attached by ClinVar (database versions not stated): gnomAD exomes below 0.00001; ExAC 0.00005; TOPMed 0.00008; 1000 Genomes Project 0.00020; 1000 Genomes Project 30x 0.00031.
gnomAD v4.1: 19 of 1,613,928 alleles (0.0012%); highest among the groups gnomAD compares: African/African-American, 0.025%; no homozygotes.

Submissions (3):

PreventionGenetics, part of Exact Sciences
Classification: Uncertain significance for SETX-related condition. Last evaluated: 2026-07-29. Review status: criteria provided, single submitter. Criteria: ACMG Guidelines, 2015. Collection method: clinical testing. Allele origin: germline.
Comment: The SETX c.2746C>T variant is predicted to result in the amino acid substitution p.Leu916Phe. To our knowledge, this variant has not been reported in the literature. This variant is reported in 0.040% of alleles in individuals of African descent in gnomAD. At this time, the clinical significance of this variant is uncertain due to the absence of conclusive functional and genetic evidence.

Labcorp Genetics (formerly Invitae), Labcorp
Classification: Benign for Amyotrophic lateral sclerosis type 4; Spinocerebellar ataxia, autosomal recessive, with axonal neuropathy 2. Last evaluated: 2025-10-01. Review status: criteria provided, single submitter. Criteria: Invitae Variant Classification Sherloc (09022015). Collection method: clinical testing. Allele origin: germline.

Ambry Genetics
Classification: Uncertain significance for Inborn genetic diseases. Last evaluated: 2025-08-05. Review status: criteria provided, single submitter. Criteria: Ambry Variant Classification Scheme 2023. Collection method: clinical testing. Allele origin: germline.

NM_015046.7(SETX):c.2746C>T (p.Leu916Phe)

Gene: SETX (senataxin; minus strand). Cytogenetic location: 9q34.13.
Variant type: single nucleotide variant.
Coding change: c.2746C>T on transcript NM_015046.7 (MANE Select); coding-DNA position 2746, C replaced by T.
Protein change: p.Leu916Phe; replaces leucine 916 with phenylalanine.
Molecular consequence: missense variant.
Genome position (GRCh38, 1-based): chr9:132,328,852, G>A on the plus strand (C>T on the coding strand, the complement: SETX is on the minus strand). VCF-style: chr9-132328852-G-A. GRCh37 (hg19) VCF-style: chr9-135204239-G-A.
Other names: c.2746C>T, p.Leu916Phe (NM_001351527.2, NM_001351528.2); short protein forms L916F.
Identifiers: ClinVar variation 2225408 (VCV002225408.5), dbSNP rs573499594, ClinGen allele CA5297541.